The following is an entry in ClinVar:

ClinVar aggregate classification (germline): Conflicting classifications of pathogenicity. Review status: criteria provided, conflicting classifications (1 of 4 stars). 2 submissions from 2 submitters: Uncertain significance (1); Likely benign (1). Last evaluated 2025-08-17.

Conditions:
Hereditary cancer-predisposing syndrome. Also called: Tumor predisposition; Hereditary neoplastic syndrome; Hereditary Cancer Syndrome; Neoplastic Syndromes, Hereditary. Identifiers: Orphanet 140162, MedGen C0027672, MeSH D009386, MONDO:0015356.
EGFR-related lung cancer (EGFR). Identifiers: MedGen CN130014.

Allele frequency attached by ClinVar (database versions not stated): gnomAD 0.00001; TOPMed 0.00001; gnomAD exomes below 0.00001.
gnomAD v4.1: 4 of 1,614,112 alleles (0.00025%); highest among the groups gnomAD compares: Non-Finnish European, 0.00034%; no homozygotes.

Submissions (2):

Labcorp Genetics (formerly Invitae), Labcorp
Classification: Uncertain significance for EGFR-related lung cancer. Last evaluated: 2025-08-17. Review status: criteria provided, single submitter. Criteria: Invitae Variant Classification Sherloc (09022015). Collection method: clinical testing. Allele origin: germline.
Comment: This sequence change replaces asparagine, which is neutral and polar, with lysine, which is basic and polar, at codon 603 of the EGFR protein (p.Asn603Lys). This variant is not present in population databases (gnomAD no frequency). This variant has not been reported in the literature in individuals affected with EGFR-related conditions. ClinVar contains an entry for this variant (Variation ID: 964418). An algorithm developed to predict the effect of missense changes on protein structure and function (PolyPhen-2) suggests that this variant is likely to be tolerated. In summary, the available evidence is currently insufficient to determine the role of this variant in disease. Therefore, it has been classified as a Variant of Uncertain Significance.

Ambry Genetics
Classification: Likely benign for Hereditary cancer-predisposing syndrome. Last evaluated: 2024-12-08. Review status: criteria provided, single submitter. Criteria: Ambry Variant Classification Scheme 2023. Collection method: clinical testing. Allele origin: germline.

NM_005228.5(EGFR):c.1809C>A (p.Asn603Lys)

Gene: EGFR (epidermal growth factor receptor; plus strand). Cytogenetic location: 7p11.2.
Variant type: single nucleotide variant.
Coding change: c.1809C>A on transcript NM_005228.5 (MANE Select); coding-DNA position 1809, C replaced by A.
Protein change: p.Asn603Lys; replaces asparagine 603 with lysine.
Molecular consequence: missense variant.
Genome position (GRCh38, 1-based): chr7:55,165,366, C>A. VCF-style: chr7-55165366-C-A. GRCh37 (hg19) VCF-style: chr7-55233059-C-A.
Other names: c.1674C>A, p.Asn558Lys (NM_001346897.2, NM_001346899.2); c.1809C>A, p.Asn603Lys (NM_001346898.2, NM_201282.2, NM_201284.2); c.1650C>A, p.Asn550Lys (NM_001346900.2); c.1008C>A, p.Asn336Lys (NM_001346941.2); short protein forms N550K, N558K, N336K, N603K.
Identifiers: ClinVar variation 964418 (VCV000964418.10), dbSNP rs769537072, ClinGen allele CA367580917.